The following is an entry in ClinVar:

NM_015047.3(EMC1):c.1138G>A (p.Val380Met)

Genes: EMC1 (ER membrane protein complex subunit 1; minus strand), EMC1-AS1 (EMC1 antisense RNA 1; plus strand). Cytogenetic location: 1p36.13.
Variant type: single nucleotide variant.
Coding change: c.1138G>A on transcript NM_015047.3 (MANE Select); coding-DNA position 1138, G replaced by A.
Protein change: p.Val380Met; replaces valine 380 with methionine.
Molecular consequence: missense variant.
Genome position (GRCh38, 1-based): chr1:19,238,091, C>T on the plus strand (G>A on the coding strand, the complement: EMC1 is on the minus strand). VCF-style: chr1-19238091-C-T. GRCh37 (hg19) VCF-style: chr1-19564585-C-T.
Other names: c.1135G>A, p.Val379Met (NM_001271427.2, NM_001375821.1); c.1138G>A, p.Val380Met (NM_001271428.2, NM_001375820.1); c.1072G>A, p.Val358Met (NM_001271429.2); c.1138G>A (NM_015047.1); short protein forms V358M, V379M, V380M.
Identifiers: ClinVar variation 1356492 (VCV001356492.8), dbSNP rs534077257, ClinGen allele CA652655.

ClinVar aggregate classification (germline): Uncertain significance. Review status: criteria provided, multiple submitters, no conflicts (2 of 4 stars). 3 submissions from 3 submitters: Uncertain significance (3). Last evaluated 2025-03-12.

Conditions:
Retinal dystrophy. Also called: Inherited retinal dystrophy. Identifiers: Orphanet 71862, MedGen C0854723, MeSH D058499, MONDO:0019118, HP:0000556.
Inborn genetic diseases. Identifiers: MedGen C0950123, MeSH D030342.

Allele frequency attached by ClinVar (database versions not stated): gnomAD 0.00003.
gnomAD v4.1: 34 of 1,614,022 alleles (0.0021%); highest among the groups gnomAD compares: Non-Finnish European, 0.0027%; no homozygotes.

Submissions (3):

Labcorp Genetics (formerly Invitae), Labcorp
Classification: Uncertain significance. Last evaluated: 2025-03-12. Review status: criteria provided, single submitter. Criteria: Invitae Variant Classification Sherloc (09022015). Collection method: clinical testing. Allele origin: germline.
Comment: This sequence change replaces valine, which is neutral and non-polar, with methionine, which is neutral and non-polar, at codon 380 of the EMC1 protein (p.Val380Met). The frequency data for this variant in the population databases is considered unreliable, as metrics indicate poor data quality at this position in the gnomAD database. This variant has not been reported in the literature in individuals affected with EMC1-related conditions. ClinVar contains an entry for this variant (Variation ID: 1356492). Invitae Evidence Modeling of protein sequence and biophysical properties (such as structural, functional, and spatial information, amino acid conservation, physicochemical variation, residue mobility, and thermodynamic stability) indicates that this missense variant is not expected to disrupt EMC1 protein function with a negative predictive value of 80%. In summary, the available evidence is currently insufficient to determine the role of this variant in disease. Therefore, it has been classified as a Variant of Uncertain Significance.

Ambry Genetics
Classification: Uncertain significance for Inborn genetic diseases. Last evaluated: 2024-07-27. Review status: criteria provided, single submitter. Criteria: Ambry Variant Classification Scheme 2023. Collection method: clinical testing. Allele origin: germline.

Dept Of Ophthalmology, Nagoya University
Classification: Uncertain significance for Retinal dystrophy. Last evaluated: 2023-10-01. Review status: criteria provided, single submitter. Criteria: Submitter's publication. Collection method: research. Allele origin: germline. Affected: yes.